The following is an entry in ClinVar:

NM_181552.4(CUX1):c.3649G>A (p.Val1217Ile)

Gene: CUX1 (cut like homeobox 1; plus strand). Cytogenetic location: 7q22.1.
Variant type: single nucleotide variant.
Coding change: c.3649G>A on transcript NM_181552.4 (MANE Select); coding-DNA position 3649, G replaced by A.
Protein change: p.Val1217Ile; replaces valine 1217 with isoleucine.
Molecular consequence: missense variant. On other transcripts: intron variant (5).
Genome position (GRCh38, 1-based): chr7:102,239,346, G>A. VCF-style: chr7-102239346-G-A. GRCh37 (hg19) VCF-style: chr7-101882626-G-A.
Other names: c.3682G>A, p.Val1228Ile (NM_001202543.2); c.1256-34020G>A (NM_001913.5); c.1250-34020G>A (NM_181500.4); c.1118-34020G>A (NM_001202545.3); c.1208-34020G>A (NM_001202544.3); c.1139-34020G>A (NM_001202546.3); short protein forms V1228I, V1217I.
Identifiers: ClinVar variation 2231124 (VCV002231124.4), dbSNP rs148183153, ClinGen allele CA4411395.

ClinVar aggregate classification (germline): Likely benign. Review status: criteria provided, single submitter (1 of 4 stars). 2 submissions from 2 submitters: Likely benign (1). 1 of the submissions does not count toward it. Last evaluated 2021-11-12.

Conditions:
Inborn genetic diseases. Identifiers: MedGen C0950123, MeSH D030342.
CUX1-related disorder. Also called: CUX1-related condition.

Allele frequency attached by ClinVar (database versions not stated): gnomAD exomes 0.00004; ExAC 0.00009; gnomAD 0.00026; 1000 Genomes Project 30x 0.00031; TOPMed 0.00037; 1000 Genomes Project 0.00040; ESP Exome Variant Server 0.00054.
gnomAD v4.1: 105 of 1,610,728 alleles (0.0065%); highest among the groups gnomAD compares: African/African-American, 0.12%; no homozygotes.

Submissions (2):

Ambry Genetics
Classification: Likely benign for Inborn genetic diseases. Last evaluated: 2021-11-12. Review status: criteria provided, single submitter. Criteria: Ambry Variant Classification Scheme 2023. Collection method: clinical testing. Allele origin: germline.

PreventionGenetics, part of Exact Sciences
Classification: Likely benign for CUX1-related condition. Last evaluated: 2022-11-11. Review status: no assertion criteria provided. Collection method: clinical testing. Allele origin: germline. Not counted in ClinVar's aggregate classification.
Comment: This variant is classified as likely benign based on ACMG/AMP sequence variant interpretation guidelines (Richards et al. 2015 PMID: 25741868, with internal and published modifications).